The following is an entry in ClinVar:

ClinVar aggregate classification (germline): Uncertain significance (1 of 4 stars; one submission).

Allele frequency attached by ClinVar (database versions not stated): TOPMed below 0.00001.

Submission:

Labcorp Genetics (formerly Invitae), Labcorp
Classification: Uncertain significance. Last evaluated: 2022-07-02. Review status: criteria provided, single submitter. Criteria: Invitae Variant Classification Sherloc (09022015). Collection method: clinical testing. Allele origin: germline.
Comment: This sequence change replaces lysine, which is basic and polar, with threonine, which is neutral and polar, at codon 244 of the RDH5 protein (p.Lys244Thr). In summary, the available evidence is currently insufficient to determine the role of this variant in disease. Therefore, it has been classified as a Variant of Uncertain Significance. Algorithms developed to predict the effect of missense changes on protein structure and function output the following: SIFT: "Tolerated"; PolyPhen-2: "Benign"; Align-GVGD: "Class C0". The threonine amino acid residue is found in multiple mammalian species, which suggests that this missense change does not adversely affect protein function. This variant has not been reported in the literature in individuals affected with RDH5-related conditions. This variant is not present in population databases (gnomAD no frequency).

NM_002905.5(RDH5):c.731A>C (p.Lys244Thr)

Genes: BLOC1S1-RDH5 (BLOC1S1-RDH5 readthrough; plus strand), CD63 (CD63 molecule; minus strand), RDH5 (retinol dehydrogenase 5; plus strand). Cytogenetic location: 12q13.2.
Variant type: single nucleotide variant.
Coding change: c.731A>C on transcript NM_002905.5 (MANE Select); coding-DNA position 731, A replaced by C.
Protein change: p.Lys244Thr; replaces lysine 244 with threonine.
Molecular consequence: missense variant. On other transcripts: non-coding transcript variant (1), 3 prime UTR variant (2).
Genome position (GRCh38, 1-based): chr12:55,724,047, A>C. VCF-style: chr12-55724047-A-C. GRCh37 (hg19) VCF-style: chr12-56117831-A-C.
Other names: c.731A>C, p.Lys244Thr (NM_001199771.3); c.*1017T>G (NM_001413284.1); c.*1032T>G (NM_001413285.1); short protein forms K244T.
Identifiers: ClinVar variation 2013325 (VCV002013325.4), dbSNP rs1384925833, ClinGen allele CA385202440.
Genomic context (GRCh38, chr12:55,724,047, plus strand): 5'-CCTGCTGGGCACGGCTGCCTCCTGCCACACAGGCCCACTATGGGGGGGCCTTCCTCACCA[A>C]GTGTGAGTAGCCAGGCCCACACAGGGGCACATGAAGGGAAACAAGTACCAGAAAGGCCAG-3'
Protein context (NP_002896.2, residues 234-254): QAHYGGAFLT[Lys244Thr]YLKMQQRIMN